The following is an entry in ClinVar:

NM_000548.5(TSC2):c.5193C>A (p.Asn1731Lys)

Gene: TSC2 (TSC complex subunit 2; plus strand). Cytogenetic location: 16p13.3.
Variant type: single nucleotide variant.
Coding change: c.5193C>A on transcript NM_000548.5 (MANE Select); coding-DNA position 5193, C replaced by A.
Protein change: p.Asn1731Lys; replaces asparagine 1731 with lysine.
Molecular consequence: missense variant.
Genome position (GRCh38, 1-based): chr16:2,088,259, C>A. VCF-style: chr16-2088259-C-A. GRCh37 (hg19) VCF-style: chr16-2138260-C-A.
Other names: c.4992C>A, p.Asn1664Lys (NM_001077183.3); c.5124C>A, p.Asn1708Lys (NM_001114382.3); c.4884C>A, p.Asn1628Lys (NM_001318827.2); c.4848C>A, p.Asn1616Lys (NM_001318829.2); c.4461C>A, p.Asn1487Lys (NM_001318831.2); c.5025C>A, p.Asn1675Lys (NM_001318832.2); c.4995C>A, p.Asn1665Lys (NM_001363528.2); c.5061C>A, p.Asn1687Lys (NM_001370404.1); and 2 more; short protein forms N1731K, N1664K, N1665K, N1684K, N1628K, N1688K, N1616K, N1675K.
Identifiers: ClinVar variation 468145 (VCV000468145.18), dbSNP rs753336580, ClinGen allele CA394314174.
Genomic context (GRCh38, chr16:2,088,259, plus strand): 5'-TGAGCTCACCCCCTGCCTACGTCCCCAGATGGCCTCACAGGTGCATCATAGCCGCTCCAA[C>A]CCCACCGATATCTACCCCTCCAAGTGGATTGCCCGGCTCCGCCACATCAAGCGGCTCCGC-3'
Protein context (NP_000539.2, residues 1721-1741): MASQVHHSRS[Asn1731Lys]PTDIYPSKWI

ClinVar aggregate classification (germline): Conflicting classifications of pathogenicity. Review status: criteria provided, conflicting classifications (1 of 4 stars). 3 submissions from 3 submitters: Uncertain significance (2); Benign (1). Last evaluated 2025-01-26.

Conditions:
Hereditary cancer-predisposing syndrome. Also called: Hereditary neoplastic syndrome; Neoplastic Syndromes, Hereditary; Tumor predisposition; Hereditary Cancer Syndrome. Identifiers: Orphanet 140162, MedGen C0027672, MeSH D009386, MONDO:0015356.
Tuberous sclerosis 2 (TSC2). Identifiers: Orphanet 805, MedGen C1860707, MONDO:0013199, OMIM 613254.

gnomAD v4.1: 2 of 1,600,744 alleles (0.00012%); highest among the groups gnomAD compares: Non-Finnish European, 0.00017%; no homozygotes.

Submissions (3):

Labcorp Genetics (formerly Invitae), Labcorp
Classification: Benign for Tuberous sclerosis 2. Last evaluated: 2025-01-26. Review status: criteria provided, single submitter. Criteria: Invitae Variant Classification Sherloc (09022015). Collection method: clinical testing. Allele origin: germline.

Ambry Genetics
Classification: Uncertain significance for Hereditary cancer-predisposing syndrome. Last evaluated: 2024-02-19. Review status: criteria provided, single submitter. Criteria: Ambry Variant Classification Scheme 2023. Collection method: clinical testing. Allele origin: germline.
Comment: The p.N1731K variant (also known as c.5193C>A), located in coding exon 40 of the TSC2 gene, results from a C to A substitution at nucleotide position 5193. The asparagine at codon 1731 is replaced by lysine, an amino acid with similar properties. This amino acid position is well conserved in available vertebrate species. In addition, the in silico prediction for this alteration is inconclusive. Based on the available evidence, the clinical significance of this alteration remains unclear.

Genome-Nilou Lab
Classification: Uncertain significance for Tuberous sclerosis 2. Last evaluated: 2021-11-07. Review status: criteria provided, single submitter. Criteria: ACMG Guidelines, 2015. Collection method: clinical testing. Allele origin: germline. Affected: no.